The following is an entry in ClinVar:

NM_005188.4(CBL):c.2101A>G (p.Met701Val)

Gene: CBL (Cbl proto-oncogene; plus strand). Cytogenetic location: 11q23.3.
Variant type: single nucleotide variant.
Coding change: c.2101A>G on transcript NM_005188.4 (MANE Select); coding-DNA position 2101, A replaced by G.
Protein change: p.Met701Val; replaces methionine 701 with valine.
Molecular consequence: missense variant.
Genome position (GRCh38, 1-based): chr11:119,296,982, A>G. VCF-style: chr11-119296982-A-G. GRCh37 (hg19) VCF-style: chr11-119167692-A-G.
Other names: c.2101A>G (NM_005188.2); short protein forms M701V.
Identifiers: ClinVar variation 3672468 (VCV003672468.3).

ClinVar aggregate classification (germline): Uncertain significance. Review status: criteria provided, multiple submitters, no conflicts (2 of 4 stars). 2 submissions from 2 submitters: Uncertain significance (2). Last evaluated 2025-12-23.

Conditions:
RASopathy. Also called: Noonan spectrum disorder; rasopathies. Identifiers: Orphanet 536391, MedGen C5555857, MONDO:0021060.
Cardiovascular phenotype. Identifiers: MedGen CN230736.

gnomAD v4.1: 3 of 1,612,584 alleles (0.00019%); highest among the groups gnomAD compares: Non-Finnish European, 0.00025%; no homozygotes.

Submissions (2):

Labcorp Genetics (formerly Invitae), Labcorp
Classification: Uncertain significance for RASopathy. Last evaluated: 2025-12-23. Review status: criteria provided, single submitter. Criteria: Invitae Variant Classification Sherloc (09022015). Collection method: clinical testing. Allele origin: germline.
Comment: This sequence change replaces methionine, which is neutral and non-polar, with valine, which is neutral and non-polar, at codon 701 of the CBL protein (p.Met701Val). This variant is not present in population databases (gnomAD no frequency). This variant has not been reported in the literature in individuals affected with CBL-related conditions. ClinVar contains an entry for this variant (Variation ID: 3672468). Invitae Evidence Modeling of protein sequence and biophysical properties (such as structural, functional, and spatial information, amino acid conservation, physicochemical variation, residue mobility, and thermodynamic stability) indicates that this missense variant is not expected to disrupt CBL protein function with a negative predictive value of 95%. In summary, the available evidence is currently insufficient to determine the role of this variant in disease. Therefore, it has been classified as a Variant of Uncertain Significance.

Ambry Genetics
Classification: Uncertain significance for Cardiovascular phenotype. Last evaluated: 2025-04-05. Review status: criteria provided, single submitter. Criteria: Ambry Variant Classification Scheme 2023. Collection method: clinical testing. Allele origin: germline.
Comment: The p.M701V variant (also known as c.2101A>G), located in coding exon 13 of the CBL gene, results from an A to G substitution at nucleotide position 2101. The methionine at codon 701 is replaced by valine, an amino acid with highly similar properties. This amino acid position is conserved. In addition, the in silico prediction for this alteration is inconclusive. Based on the available evidence, the clinical significance of this variant remains unclear.